The following is an entry in ClinVar:

ClinVar aggregate classification (germline): Pathogenic (1 of 4 stars; one submission).

Allele frequency attached by ClinVar (database versions not stated): gnomAD exomes below 0.00001; gnomAD 0.00001.
gnomAD v4.1: 2 of 1,614,058 alleles (0.00012%); highest among the groups gnomAD compares: South Asian, 0.0011%; no homozygotes.

Submission:

Labcorp Genetics (formerly Invitae), Labcorp
Classification: Pathogenic. Last evaluated: 2024-05-13. Review status: criteria provided, single submitter. Criteria: Invitae Variant Classification Sherloc (09022015). Collection method: clinical testing. Allele origin: germline.
Comment: This sequence change creates a premature translational stop signal (p.Arg572*) in the C1S gene. While this is not anticipated to result in nonsense mediated decay, it is expected to disrupt the last 117 amino acid(s) of the C1S protein. This variant is present in population databases (no rsID available, gnomAD no frequency). This variant has not been reported in the literature in individuals affected with C1S-related conditions. ClinVar contains an entry for this variant (Variation ID: 1363920). This variant disrupts a region of the C1S protein in which other variant(s) (p.Glu597*) have been determined to be pathogenic (PMID: 9973493, 19155518). This suggests that this is a clinically significant region of the protein, and that variants that disrupt it are likely to be disease-causing. For these reasons, this variant has been classified as Pathogenic.

Literature cited by the submitters: PubMed 9973493; PubMed 19155518.

NM_001734.5(C1S):c.1714C>T (p.Arg572Ter)

Gene: C1S (complement C1s; plus strand). Cytogenetic location: 12p13.31.
Variant type: single nucleotide variant.
Coding change: c.1714C>T on transcript NM_001734.5 (MANE Select); coding-DNA position 1714, C replaced by T.
Protein change: p.Arg572Ter; replaces arginine 572 with a stop codon.
Molecular consequence: nonsense.
Genome position (GRCh38, 1-based): chr12:7,070,298, C>T. VCF-style: chr12-7070298-C-T. GRCh37 (hg19) VCF-style: chr12-7177602-C-T.
Other names: c.1213C>T, p.Arg405Ter (NM_001346850.2); c.1714C>T, p.Arg572Ter (NM_201442.4); short protein forms R405*, R572*.
Identifiers: ClinVar variation 1363920 (VCV001363920.8), dbSNP rs1555163022, ClinGen allele CA383706345.